The following is an entry in ClinVar:

NM_007294.4(BRCA1):c.5277+48_5277+59dup

Gene: BRCA1 (BRCA1 DNA repair associated; minus strand). Cytogenetic location: 17q21.31.
Variant type: Duplication.
Coding change: c.5277+48_5277+59dup on transcript NM_007294.4 (MANE Select); bases 48 to 59 of the intron after coding-DNA position 5277, 12 bases duplicated (GTATTCCACTCC).
Molecular consequence: intron variant.
Genome position (GRCh38, 1-based): chr17:43,056,993-43,057,004, GGAGTGGAATAC duplicated on the plus strand (GTATTCCACTCC on the coding strand, the reverse complement: BRCA1 is on the minus strand). VCF-style (leftmost placement, unchanged base first): chr17-43056992-G-GGGAGTGGAATAC. GRCh37 (hg19) VCF-style: chr17-41209009-G-GGGAGTGGAATAC.
Other names: c.5277+48_5277+59dupGTATTCCACTCC (NM_007294.3); c.1824+48_1824+59dup (NM_001408458.1, NM_001408461.1, NM_001408464.1 and 7 more transcripts); c.4386+48_4386+59dup (NM_001407967.1); c.4896+48_4896+59dup (NM_001407959.1); c.5010+48_5010+59dup (NM_001407931.1, NM_001407932.1, NM_001407928.1 and 4 more transcripts); c.5133+48_5133+59dup (NM_001407747.1, NM_001407745.1, NM_001407737.1 and 21 more transcripts); c.4893+48_4893+59dup (NM_001407962.1, NM_001407960.1); c.1464+48_1464+59dup (NM_001408512.1); and 73 more.
Identifiers: ClinVar variation 433729 (VCV000433729.53), dbSNP rs572766355, ClinGen allele CA290823254.

ClinVar aggregate classification (germline): Benign. Review status: reviewed by expert panel (3 of 4 stars). 10 submissions from 10 submitters: Benign (1). 9 of the submissions do not count toward it. Last evaluated 2019-06-18.

Conditions:
Inherited breast cancer and ovarian cancer.
Hereditary cancer-predisposing syndrome. Also called: Neoplastic Syndromes, Hereditary; Hereditary Cancer Syndrome; Tumor predisposition; Hereditary neoplastic syndrome. Identifiers: Orphanet 140162, MedGen C0027672, MeSH D009386, MONDO:0015356.
Breast-ovarian cancer, familial, susceptibility to, 1 (BROVCA1). Also called: BRCA1 Hereditary Breast and Ovarian Cancer; OVARIAN CANCER, SUSCEPTIBILITY TO. Identifiers: Orphanet 145, MedGen C2676676, MONDO:0011450, OMIM 604370. Disease mechanism: loss of function.
Hereditary breast ovarian cancer syndrome. Also called: Hereditary breast and ovarian cancer; Breast and ovarian cancer; Hereditary breast and/or ovarian cancer syndrome; Hereditary breast and ovarian cancer syndrome; Hereditary breast and ovarian cancer syndrome (HBOC); BRCA1- and BRCA2-Associated Hereditary Breast and Ovarian Cancer. Identifiers: Orphanet 145, MedGen C0677776, MeSH D061325, MONDO:0003582. Disease mechanism: loss of function.

Allele frequency attached by ClinVar (database versions not stated): gnomAD 0.00178 and 0.00187; 1000 Genomes Project 30x 0.00031; gnomAD exomes 0.00244.

Submissions (10):

Evidence-based Network for the Interpretation of Germline Mutant Alleles (ENIGMA)
Classification: Benign for Breast-ovarian cancer, familial, susceptibility to, 1. Last evaluated: 2019-06-18. Review status: reviewed by expert panel. Criteria: ENIGMA BRCA1/2 Classification Criteria (2017-06-29). Collection method: curation. Allele origin: germline.
Comment: IARC class based on posterior probability from multifactorial likelihood analysis, thresholds for class as per Plon et al. 2008 (PMID: 18951446). Class 1 based on posterior probability = 0.000012

CeGaT Center for Human Genetics Tuebingen
Classification: Likely benign. Last evaluated: 2026-08-01. Review status: criteria provided, single submitter. Criteria: CeGaT Center For Human Genetics Tuebingen Variant Classification Criteria Version 2. Collection method: clinical testing. Allele origin: germline. Affected: yes. Observed: 33 variant alleles. Not counted in ClinVar's aggregate classification.
Comment: BRCA1: BS2

Cambridge Genomics Laboratory, East Genomic Laboratory Hub, NHS Genomic Medicine Service
Classification: Benign for Inherited breast cancer and ovarian cancer. Last evaluated: 2026-07-28. Review status: criteria provided, single submitter. Criteria: ACGS Best Practice Guidelines for Variant Classification in Rare Disease 2020. Collection method: clinical testing. Allele origin: germline. Affected: yes. Not counted in ClinVar's aggregate classification.
Comment: BP7

Labcorp Genetics (formerly Invitae), Labcorp
Classification: Benign for Hereditary breast ovarian cancer syndrome. Last evaluated: 2025-09-24. Review status: criteria provided, single submitter. Criteria: Invitae Variant Classification Sherloc (09022015). Collection method: clinical testing. Allele origin: germline. Not counted in ClinVar's aggregate classification.

National Health Laboratory Service, Universitas Academic Hospital and University of the Free State
Classification: Likely benign for Hereditary breast ovarian cancer syndrome. Last evaluated: 2021-11-16. Review status: criteria provided, single submitter. Criteria: ACMG Guidelines, 2015. Collection method: clinical testing. Allele origin: germline. Affected: yes. Observed: 2 variant alleles. Not counted in ClinVar's aggregate classification.

GeneDx
Classification: Likely benign. Last evaluated: 2021-06-22. Review status: criteria provided, single submitter. Criteria: GeneDx Variant Classification Process June 2021. Collection method: clinical testing. Allele origin: germline. Affected: yes. Not counted in ClinVar's aggregate classification.
Comment: This variant is associated with the following publications: (PMID: 18424508, 22366370, 7606717, 18489799, 8531967)

Sema4
Classification: Benign for Hereditary cancer-predisposing syndrome. Last evaluated: 2020-09-30. Review status: criteria provided, single submitter. Criteria: Sema4 Curation Guidelines. Collection method: curation. Allele origin: germline. Not counted in ClinVar's aggregate classification.

Color Diagnostics, LLC DBA Color Health
Classification: Likely benign for Hereditary cancer-predisposing syndrome. Last evaluated: 2016-05-10. Review status: criteria provided, single submitter. Criteria: ACMG Guidelines, 2015. Collection method: clinical testing. Allele origin: germline. Not counted in ClinVar's aggregate classification.

Department of Pathology and Laboratory Medicine, Sinai Health System
Classification: Likely benign. Review status: criteria provided, single submitter. Criteria: ACMG Guidelines, 2015. Collection method: clinical testing. Allele origin: germline. Affected: yes. Study: The Canadian Open Genetics Repository (COGR). Not counted in ClinVar's aggregate classification.

BRCAlab, Lund University
Classification: Benign for Breast-ovarian cancer, familial, susceptibility to, 1. Last evaluated: 2020-03-02. Review status: no assertion criteria provided. Collection method: clinical testing. Allele origin: germline. Affected: yes. Not counted in ClinVar's aggregate classification.

Literature cited by the submitters: PubMed 31131967 (cited by Evidence-based Network for the Interpretation of Germline Mutant Alleles (ENIGMA)); DOI 10.3389/fgene.2022.834265 (cited by National Health Laboratory Service, Universitas Academic Hospital and University of the Free State).